The following is an entry in ClinVar:

ClinVar aggregate classification (germline): Uncertain significance (1 of 4 stars; one submission).

Conditions:
Fanconi anemia (FA). Also called: Fanconi's anemia. Identifiers: Orphanet 84, MedGen C0015625, MeSH D005199, MONDO:0019391.

Allele frequency attached by ClinVar (database versions not stated): ExAC 0.00001.

Submission:

Labcorp Genetics (formerly Invitae), Labcorp
Classification: Uncertain significance for Fanconi anemia. Last evaluated: 2022-08-01. Review status: criteria provided, single submitter. Criteria: Invitae Variant Classification Sherloc (09022015). Collection method: clinical testing. Allele origin: germline.
Comment: In summary, the available evidence is currently insufficient to determine the role of this variant in disease. Therefore, it has been classified as a Variant of Uncertain Significance. Algorithms developed to predict the effect of missense changes on protein structure and function (SIFT, PolyPhen-2, Align-GVGD) all suggest that this variant is likely to be tolerated. This variant has not been reported in the literature in individuals affected with FANCL-related conditions. This variant is present in population databases (rs752429763, gnomAD 0.0009%). This sequence change replaces methionine, which is neutral and non-polar, with threonine, which is neutral and polar, at codon 305 of the FANCL protein (p.Met305Thr).

NM_018062.4(FANCL):c.914T>C (p.Met305Thr)

Gene: FANCL (FA complementation group L; minus strand). Cytogenetic location: 2p16.1.
Variant type: single nucleotide variant.
Coding change: c.914T>C on transcript NM_018062.4 (MANE Select); coding-DNA position 914, T replaced by C.
Protein change: p.Met305Thr; replaces methionine 305 with threonine.
Molecular consequence: missense variant.
Genome position (GRCh38, 1-based): chr2:58,161,628, A>G on the plus strand (T>C on the coding strand, the complement: FANCL is on the minus strand). VCF-style: chr2-58161628-A-G. GRCh37 (hg19) VCF-style: chr2-58388763-A-G.
Other names: c.929T>C, p.Met310Thr (NM_001114636.2); c.959T>C, p.Met320Thr (NM_001374615.1); c.974T>C, p.Met325Thr (NM_001410792.1); short protein forms M325T, M305T, M310T, M320T.
Identifiers: ClinVar variation 2178528 (VCV002178528.4), dbSNP rs752429763, ClinGen allele CA1670377.
Genomic context (GRCh38, chr2:58,161,628, plus strand): 5'-TCACACACTTGATCAGGAATGGTACCGTCAAGTTGATAAGCATAACAAATTCCACAATCC[A>G]TAGTAAAATCCTTCAAAAGAAAAATATTTATAAAAAGCGTATGTGTCTCACTAACTTATT-3'
Protein context (NP_060532.2, residues 295-315): RAILEKSDFT[Met305Thr]DCGICYAYQL